The following is an entry in ClinVar:

ClinVar aggregate classification (germline): Uncertain significance (1 of 4 stars; one submission).

Submission:

CeGaT Center for Human Genetics Tuebingen
Classification: Uncertain significance. Last evaluated: 2026-03-01. Review status: criteria provided, single submitter. Criteria: CeGaT Center For Human Genetics Tuebingen Variant Classification Criteria Version 2. Collection method: clinical testing. Allele origin: germline. Affected: yes. Observed: 2 variant alleles.
Comment: KITLG: PM2, PVS1:Moderate

NM_000899.5(KITLG):c.26del (p.Leu9fs)

Gene: KITLG (KIT ligand; minus strand). Cytogenetic location: 12q21.32.
Variant type: Deletion.
Coding change: c.26del on transcript NM_000899.5 (MANE Select); coding-DNA position 26, one base deleted (T; older notation c.26delT).
Protein change: p.Leu9fs; shifts the reading frame from leucine 9.
Molecular consequence: frameshift variant.
Genome position (GRCh38, 1-based): chr12:88,545,855, A deleted on the plus strand (T on the coding strand, the reverse complement: KITLG is on the minus strand). VCF-style (leftmost placement, unchanged base first): chr12-88545854-GA-G. GRCh37 (hg19) VCF-style: chr12-88939631-GA-G.
Other names: c.26del, p.Leu9fs (NM_003994.6); short protein forms L9fs.
Identifiers: ClinVar variation 4281562 (VCV004281562.7).